The following is an entry in ClinVar:

ClinVar aggregate classification (germline): Pathogenic (1 of 4 stars; one submission).

Conditions:
Microcephaly, normal intelligence and immunodeficiency (NBS). Also called: IMMUNODEFICIENCY, MICROCEPHALY, AND CHROMOSOMAL INSTABILITY; SEEMANOVA SYNDROME II; BERLIN BREAKAGE SYNDROME; Nijmegen breakage syndrome; Microcephaly with normal intelligence immunodeficiency and lymphoreticular malignancies; Nonsyndromal microcephaly autosomal recessive with normal intelligence. Identifiers: Orphanet 647, MedGen C0398791, MONDO:0009623, OMIM 251260.

Submission:

Labcorp Genetics (formerly Invitae), Labcorp
Classification: Pathogenic for Microcephaly, normal intelligence and immunodeficiency. Last evaluated: 2023-03-29. Review status: criteria provided, single submitter. Criteria: Invitae Variant Classification Sherloc (09022015). Collection method: clinical testing. Allele origin: germline.
Comment: This variant disrupts a region of the NBN protein in which other variant(s) (p.Gln732*) have been determined to be pathogenic (Invitae). This suggests that this is a clinically significant region of the protein, and that variants that disrupt it are likely to be disease-causing. This variant has not been reported in the literature in individuals affected with NBN-related conditions. This variant is not present in population databases (gnomAD no frequency). This sequence change creates a premature translational stop signal (p.Tyr693Leufs*49) in the NBN gene. While this is not anticipated to result in nonsense mediated decay, it is expected to disrupt the last 62 amino acid(s) of the NBN protein. For these reasons, this variant has been classified as Pathogenic.

NM_002485.5(NBN):c.2077dup (p.Tyr693fs)

Gene: NBN (nibrin; minus strand). Cytogenetic location: 8q21.3.
Variant type: Duplication.
Coding change: c.2077dup on transcript NM_002485.5 (MANE Select); coding-DNA position 2077, one base duplicated (T; older notation c.2077dupT).
Protein change: p.Tyr693fs; shifts the reading frame from tyrosine 693.
Molecular consequence: frameshift variant.
Genome position (GRCh38, 1-based): chr8:89,943,360, A duplicated on the plus strand (T on the coding strand, the reverse complement: NBN is on the minus strand). VCF-style (leftmost placement, unchanged base first): chr8-89943359-T-TA. GRCh37 (hg19) VCF-style: chr8-90955587-T-TA.
Other names: c.1831dup, p.Tyr611fs (NM_001024688.3); short protein forms Y611fs, Y693fs.
Identifiers: ClinVar variation 2850593 (VCV002850593.3), dbSNP rs2488192036, ClinGen allele CA2739268862.